The following is an entry in ClinVar:

ClinVar aggregate classification (germline): Pathogenic (1 of 4 stars; one submission).

Conditions:
Arginase deficiency. Also called: Arginase 1 Deficiency; ARGININEMIA; ARG1 DEFICIENCY. Identifiers: Orphanet 90, MedGen C0268548, MONDO:0008814, OMIM 207800.

Submission:

Labcorp Genetics (formerly Invitae), Labcorp
Classification: Pathogenic for Arginase deficiency. Last evaluated: 2023-05-20. Review status: criteria provided, single submitter. Criteria: Invitae Variant Classification Sherloc (09022015). Collection method: clinical testing. Allele origin: germline.
Comment: This variant is not present in population databases (gnomAD no frequency). For these reasons, this variant has been classified as Pathogenic. This variant has not been reported in the literature in individuals affected with ARG1-related conditions. This sequence change creates a premature translational stop signal (p.Ser109Leufs*16) in the ARG1 gene. It is expected to result in an absent or disrupted protein product. Loss-of-function variants in ARG1 are known to be pathogenic (PMID: 7649538, 12052859).

Literature cited by the submitters: PubMed 7649538; PubMed 12052859.

NM_000045.4(ARG1):c.326_353del (p.Ser109fs)

Genes: ARG1 (arginase 1; plus strand), MED23 (mediator complex subunit 23; minus strand). Cytogenetic location: 6q23.2.
Variant type: Deletion.
Coding change: c.326_353del on transcript NM_000045.4 (MANE Select); coding-DNA positions 326 to 353, 28 bases deleted (CTGGCCATGCCAGGGTCCACCCTGATCT).
Protein change: p.Ser109fs; shifts the reading frame from serine 109.
Molecular consequence: frameshift variant. On other transcripts: non-coding transcript variant (1), intron variant (3).
Genome position (GRCh38, 1-based): chr6:131,581,239-131,581,266, CTGGCCATGCCAGGGTCCACCCTGATCT deleted; deleting any 28 consecutive bases within chr6:131,581,235-131,581,266 gives the same sequence; the c. name uses the placement nearest the transcript's 3' end. VCF-style (leftmost placement, unchanged base first): chr6-131581234-CATCTCTGGCCATGCCAGGGTCCACCCTG-C. GRCh37 (hg19) VCF-style: chr6-131902374-CATCTCTGGCCATGCCAGGGTCCACCCTG-C.
Other names: c.350_377del, p.Ser117fs (NM_001244438.2); c.306-1821_306-1794del (NM_001369020.1); c.4077+6447_4077+6474del (NM_001270521.2); c.4095+6447_4095+6474del (NM_015979.4); short protein forms S117fs, S109fs.
Identifiers: ClinVar variation 2866149 (VCV002866149.3), dbSNP rs2482368498, ClinGen allele CA2680352447.